The following is an entry in ClinVar:

ClinVar aggregate classification (germline): Benign/Likely benign. Review status: criteria provided, multiple submitters, no conflicts (2 of 4 stars). 14 submissions from 14 submitters: Benign (7); Likely benign (4). 3 of the submissions do not count toward it. Last evaluated 2026-09-01.

Conditions:
Hereditary insensitivity to pain with anhidrosis (CIPA). Also called: FAMILIAL DYSAUTONOMIA, TYPE II; NEUROPATHY, CONGENITAL SENSORY, WITH ANHIDROSIS; NTRK1 Congenital Insensitivity to Pain with Anhidrosis; INSENSITIVITY TO PAIN, CONGENITAL, WITH ANHIDROSIS; hereditary sensory and autonomic neuropathy type 4; HSAN Type IV. Identifiers: Orphanet 642, MedGen C0020074, MONDO:0009746, OMIM 256800.

Allele frequency attached by ClinVar (database versions not stated): 1000 Genomes Project 0.00100; 1000 Genomes Project 30x 0.00344; ExAC 0.00483; ESP Exome Variant Server 0.00547; gnomAD exomes 0.00745 and 0.01357; TOPMed 0.00865; gnomAD 0.00905 and 0.00957.

Submissions (14):

CeGaT Center for Human Genetics Tuebingen
Classification: Benign. Last evaluated: 2026-09-01. Review status: criteria provided, single submitter. Criteria: CeGaT Center For Human Genetics Tuebingen Variant Classification Criteria Version 2. Collection method: clinical testing. Allele origin: germline. Affected: yes. Observed: 75 variant alleles.
Comment: NTRK1: BS1, BS2

Labcorp Genetics (formerly Invitae), Labcorp
Classification: Likely benign for Hereditary insensitivity to pain with anhidrosis. Last evaluated: 2026-02-04. Review status: criteria provided, single submitter. Criteria: Invitae Variant Classification Sherloc (09022015). Collection method: clinical testing. Allele origin: germline.

ARUP Laboratories, Molecular Genetics and Genomics, ARUP Laboratories
Classification: Benign for Hereditary insensitivity to pain with anhidrosis. Last evaluated: 2025-06-20. Review status: criteria provided, single submitter. Criteria: ARUP Molecular Germline Variant Investigation Process 2024. Collection method: clinical testing. Allele origin: germline.

KCCC/NGS Laboratory, Kuwait Cancer Control Center
Classification: Benign for Hereditary insensitivity to pain with anhidrosis. Last evaluated: 2023-07-07. Review status: criteria provided, single submitter. Criteria: ACMG Guidelines, 2015. Collection method: clinical testing. Allele origin: germline. Affected: yes.

Women's Health and Genetics/Laboratory Corporation of America, LabCorp
Classification: Likely benign. Last evaluated: 2021-12-10. Review status: criteria provided, single submitter. Criteria: LabCorp Variant Classification Summary - May 2015. Collection method: clinical testing. Allele origin: germline.

Genome-Nilou Lab
Classification: Likely benign for Hereditary insensitivity to pain with anhidrosis. Last evaluated: 2021-05-18. Review status: criteria provided, single submitter. Criteria: ACMG Guidelines, 2015. Collection method: clinical testing. Allele origin: germline. Affected: no.

Illumina Laboratory Services, Illumina
Classification: Benign for Hereditary insensitivity to pain with anhidrosis. Last evaluated: 2017-04-27. Review status: criteria provided, single submitter. Criteria: ICSL Variant Classification Criteria 13 December 2019. Collection method: clinical testing. Allele origin: germline.
Comment: This variant was observed as part of a predisposition screen in an ostensibly healthy population. A literature search was performed for the gene, cDNA change, and amino acid change (where applicable). Publications were found based on this search. The evidence from the literature, in combination with allele frequency data from public databases where available, was sufficient to rule this variant out of causing disease. Therefore, this variant is classified as benign.

Eurofins Ntd Llc (ga)
Classification: Benign. Last evaluated: 2016-04-22. Review status: criteria provided, single submitter. Criteria: EGL Classification Definitions 2015. Collection method: clinical testing. Allele origin: germline. Observed: 3 variant alleles, 3 heterozygotes.

GeneDx
Classification: Benign. Last evaluated: 2016-04-05. Review status: criteria provided, single submitter. Criteria: GeneDx Variant Classification (06012015). Collection method: clinical testing. Allele origin: germline. Affected: yes.
Comment: This variant is considered likely benign or benign based on one or more of the following criteria: it is a conservative change, it occurs at a poorly conserved position in the protein, it is predicted to be benign by multiple in silico algorithms, and/or has population frequency not consistent with disease.

Mayo Clinic Laboratories, Mayo Clinic
Classification: Benign. Last evaluated: 2016-03-02. Review status: criteria provided, single submitter. Criteria: ACMG Guidelines, 2015. Collection method: clinical testing. Allele origin: germline. Observed: 44 variant alleles.

Breakthrough Genomics
Classification: Likely benign. Review status: criteria provided, single submitter. Criteria: ACMG Guidelines, 2015. Collection method: not provided. Allele origin: germline. Inheritance: Autosomal recessive inheritance. Affected: yes.

Clinical Genetics, Academic Medical Center
Classification: Benign. Review status: no assertion criteria provided. Collection method: clinical testing. Allele origin: germline. Affected: yes. Study: VKGL Data-share Consensus. Not counted in ClinVar's aggregate classification.

Joint Genome Diagnostic Labs from Nijmegen and Maastricht, Radboudumc and MUMC+
Classification: Benign. Review status: no assertion criteria provided. Collection method: clinical testing. Allele origin: germline. Affected: yes. Study: VKGL Data-share Consensus. Not counted in ClinVar's aggregate classification.

Laboratory of Diagnostic Genome Analysis, Leiden University Medical Center (LUMC)
Classification: Likely benign. Review status: no assertion criteria provided. Collection method: clinical testing. Allele origin: germline. Affected: yes. Study: VKGL Data-share Consensus. Not counted in ClinVar's aggregate classification.

Literature cited by the submitters: PubMed 16373086 (cited by Illumina Laboratory Services, Illumina); PubMed 19598235 (cited by Illumina Laboratory Services, Illumina); PubMed 27544236 (cited by Illumina Laboratory Services, Illumina); PubMed 22397633 (cited by Illumina Laboratory Services, Illumina); PubMed 18179783 (cited by Illumina Laboratory Services, Illumina); PubMed 11748840 (cited by Illumina Laboratory Services, Illumina); PubMed 23241418 (cited by Illumina Laboratory Services, Illumina).

NM_002529.4(NTRK1):c.53G>A (p.Gly18Glu)

Gene: NTRK1 (neurotrophic receptor tyrosine kinase 1; plus strand). Cytogenetic location: 1q23.1.
Variant type: single nucleotide variant.
Coding change: c.53G>A on transcript NM_002529.4 (MANE Select); coding-DNA position 53, G replaced by A.
Protein change: p.Gly18Glu; replaces glycine 18 with glutamic acid.
Molecular consequence: missense variant. On other transcripts: intron variant (1).
Genome position (GRCh38, 1-based): chr1:156,860,987, G>A. VCF-style: chr1-156860987-G-A. GRCh37 (hg19) VCF-style: chr1-156830779-G-A.
Other names: c.53G>A, p.Gly18Glu (NM_001012331.2); c.123-3367G>A (NM_001007792.1); short protein forms G18E.
Identifiers: ClinVar variation 193129 (VCV000193129.79), dbSNP rs1007211, ClinGen allele CA200337.